The following is an entry in ClinVar:

ClinVar aggregate classification (germline): Likely pathogenic (1 of 4 stars; one submission).

Allele frequency attached by ClinVar (database versions not stated): gnomAD 0.00001; TOPMed 0.00001.
gnomAD v4.1: 2 of 1,611,708 alleles (0.00012%); highest among the groups gnomAD compares: African/African-American, 0.0027%; no homozygotes.

Submission:

Labcorp Genetics (formerly Invitae), Labcorp
Classification: Likely pathogenic. Last evaluated: 2023-10-06. Review status: criteria provided, single submitter. Criteria: Invitae Variant Classification Sherloc (09022015). Collection method: clinical testing. Allele origin: germline.
Comment: This sequence change affects a donor splice site in intron 5 of the RARS2 gene. It is expected to disrupt RNA splicing. Variants that disrupt the donor or acceptor splice site typically lead to a loss of protein function (PMID: 16199547), and loss-of-function variants in RARS2 are known to be pathogenic (PMID: 17847012, 22569581, 26083569). This variant is not present in population databases (gnomAD no frequency). This variant has not been reported in the literature in individuals affected with RARS2-related conditions. ClinVar contains an entry for this variant (Variation ID: 1917157). Algorithms developed to predict the effect of sequence changes on RNA splicing suggest that this variant may disrupt the consensus splice site. In summary, the currently available evidence indicates that the variant is pathogenic, but additional data are needed to prove that conclusively. Therefore, this variant has been classified as Likely Pathogenic.

Literature cited by the submitters: PubMed 16199547; PubMed 17847012; PubMed 22569581; PubMed 26083569.

NM_020320.5(RARS2):c.395+2T>C

Gene: RARS2 (arginyl-tRNA synthetase 2, mitochondrial; minus strand). Cytogenetic location: 6q15.
Variant type: single nucleotide variant.
Coding change: c.395+2T>C on transcript NM_020320.5 (MANE Select); the canonical splice donor site of the intron after coding-DNA position 395, T replaced by C.
Molecular consequence: splice donor variant.
Genome position (GRCh38, 1-based): chr6:87,555,406, A>G on the plus strand (T>C on the coding strand, the complement: RARS2 is on the minus strand). VCF-style: chr6-87555406-A-G. GRCh37 (hg19) VCF-style: chr6-88265124-A-G.
Other names: c.395+2T>C (NM_001350505.2); c.-75+2T>C (NM_001350509.2, NM_001318785.2); c.-131+2T>C (NM_001350506.2, NM_001350510.2, NM_001350511.2 and 1 more transcripts); c.-293+2T>C (NM_001350508.2).
Identifiers: ClinVar variation 1917157 (VCV001917157.5), dbSNP rs1006914549, ClinGen allele CA142870478.